The following is an entry in ClinVar:

ClinVar aggregate classification (germline): Likely benign (1 of 4 stars; one submission).

gnomAD v4.1: 2 of 1,583,986 alleles (0.00013%); highest among the groups gnomAD compares: Non-Finnish European, 0.00017%; no homozygotes.

Submission:

Women's Health and Genetics/Laboratory Corporation of America, LabCorp
Classification: Likely benign. Last evaluated: 2024-08-30. Review status: criteria provided, single submitter. Criteria: LabCorp Variant Classification Summary - May 2015. Collection method: clinical testing. Allele origin: germline.
Comment: Variant summary: KMT2E c.600G>A alters a conserved nucleotide resulting in a synonymous change. Consensus agreement among computation tools predict no significant impact on normal splicing. However, these predictions have yet to be confirmed by functional studies. The variant was absent in 242920 control chromosomes. The available data on variant occurrences in the general population are insufficient to allow any conclusion about variant significance. To our knowledge, no occurrence of c.600G>A in individuals affected with O'Donnell-Luria-Rodan Syndrome and no experimental evidence demonstrating its impact on protein function have been reported. No submitters have cited clinical-significance assessments for this variant to ClinVar. Based on the evidence outlined above, the variant was classified as likely benign.

NM_182931.3(KMT2E):c.600G>A (p.Val200=)

Gene: KMT2E (lysine methyltransferase 2E (inactive); plus strand). Cytogenetic location: 7q22.3.
Variant type: single nucleotide variant.
Coding change: c.600G>A on transcript NM_182931.3 (MANE Select); coding-DNA position 600, G replaced by A.
Protein change: p.Val200=; no amino-acid change (valine 200 retained).
Molecular consequence: synonymous variant.
Genome position (GRCh38, 1-based): chr7:105,074,686, G>A. VCF-style: chr7-105074686-G-A. GRCh37 (hg19) VCF-style: chr7-104715133-G-A.
Other names: c.600G>A, p.Val200= (NM_001410908.1, NM_018682.4).
Identifiers: ClinVar variation 3366769 (VCV003366769.1).
Genomic context (GRCh38, chr7:105,074,686, plus strand): 5'-TTTTATTTTGTCTGAAGATGGTGATACCAGTGCAACTGAGAGTGGTGATGAGGTTCCTGT[G>A]GAATTATATACTGCATTTCAGCATACTCCAACATCAATTACTTTAACTGCTTCAAGAGTT-3'
Protein context (NP_891847.1, residues 190-210): SATESGDEVP[Val200=]ELYTAFQHTP